The following is an entry in ClinVar:

ClinVar aggregate classification (germline): Benign/Likely benign. Review status: criteria provided, multiple submitters, no conflicts (2 of 4 stars). 3 submissions from 3 submitters: Benign (1); Likely benign (2). Last evaluated 2026-03-19.

Conditions:
Thrombocytopenia. Identifiers: MedGen C0040034, MeSH D013921, MONDO:0002049, HP:0001873.
MASTL-related disorder. Also called: MASTL-related condition.

Allele frequency attached by ClinVar (database versions not stated): 1000 Genomes Project 30x 0.00016; 1000 Genomes Project 0.00020; ESP Exome Variant Server 0.00023; TOPMed 0.00030; gnomAD 0.00033 and 0.00034; ExAC 0.00037; gnomAD exomes 0.00041 and 0.00051.
gnomAD v4.1: 786 of 1,614,068 alleles (0.049%); highest among the groups gnomAD compares: Non-Finnish European, 0.056%; no homozygotes.

Submissions (3):

PreventionGenetics, part of Exact Sciences
Classification: Likely benign for MASTL-related condition. Last evaluated: 2026-03-19. Review status: criteria provided, single submitter. Criteria: ACMG Guidelines, 2015. Collection method: clinical testing. Allele origin: germline.
Comment: This variant is classified as likely benign based on ACMG/AMP sequence variant interpretation guidelines (Richards et al. 2015 PMID: 25741868, with internal and published modifications).

Blueprint Genetics
Classification: Likely benign. Last evaluated: 2024-10-02. Review status: criteria provided, single submitter. Criteria: ACMG Guidelines, 2015. Collection method: clinical testing. Allele origin: germline.

Illumina Laboratory Services, Illumina
Classification: Benign for Thrombocytopenia. Last evaluated: 2017-04-27. Review status: criteria provided, single submitter. Criteria: ICSL Variant Classification Criteria 13 December 2019. Collection method: clinical testing. Allele origin: germline.
Comment: This variant was observed as part of a predisposition screen in an ostensibly healthy population. A literature search was performed for the gene, cDNA change, and amino acid change (where applicable). No publications were found based on this search. Allele frequency data from public databases was too high to be consistent with this variant causing disease. Therefore, this variant is classified as benign.

NM_001172303.3(MASTL):c.1816G>T (p.Asp606Tyr)

Gene: MASTL (microtubule associated serine/threonine kinase like; plus strand). Cytogenetic location: 10p12.1.
Variant type: single nucleotide variant.
Coding change: c.1816G>T on transcript NM_001172303.3 (MANE Select); coding-DNA position 1816, G replaced by T.
Protein change: p.Asp606Tyr; replaces aspartic acid 606 with tyrosine.
Molecular consequence: missense variant. On other transcripts: non-coding transcript variant (1).
Genome position (GRCh38, 1-based): chr10:27,170,775, G>T. VCF-style: chr10-27170775-G-T. GRCh37 (hg19) VCF-style: chr10-27459704-G-T.
Other names: c.1816G>T, p.Asp606Tyr (NM_001172304.3, NM_001320756.2, NM_001320757.2 and 1 more transcripts); c.1333G>T, p.Asp445Tyr (NM_001372029.1, NM_001372030.1); c.1816G>T (NM_032844.4); short protein forms D445Y, D606Y.
Identifiers: ClinVar variation 879053 (VCV000879053.6), dbSNP rs35413630, ClinGen allele CA5450288.